The following is an entry in ClinVar:

ClinVar aggregate classification (germline): Uncertain significance (1 of 4 stars; one submission).

Submission:

GeneDx
Classification: Uncertain significance. Last evaluated: 2024-09-08. Review status: criteria provided, single submitter. Criteria: GeneDx Variant Classification Process June 2021. Collection method: clinical testing. Allele origin: germline. Affected: yes.
Comment: Not observed at significant frequency in large population cohorts (gnomAD); In silico analysis supports that this missense variant has a deleterious effect on protein structure/function; Has not been previously published as pathogenic or benign to our knowledge

NM_004519.4(KCNQ3):c.1157A>C (p.Tyr386Ser)

Gene: KCNQ3 (potassium voltage-gated channel subfamily Q member 3; minus strand). Cytogenetic location: 8q24.22.
Variant type: single nucleotide variant.
Coding change: c.1157A>C on transcript NM_004519.4 (MANE Select); coding-DNA position 1157, A replaced by C.
Protein change: p.Tyr386Ser; replaces tyrosine 386 with serine.
Molecular consequence: missense variant.
Genome position (GRCh38, 1-based): chr8:132,170,412, T>G on the plus strand (A>C on the coding strand, the complement: KCNQ3 is on the minus strand). VCF-style: chr8-132170412-T-G. GRCh37 (hg19) VCF-style: chr8-133182659-T-G.
Other names: c.797A>C, p.Tyr266Ser (NM_001204824.2); short protein forms Y266S, Y386S.
Identifiers: ClinVar variation 1809927 (VCV001809927.2), dbSNP rs2536933526, ClinGen allele CA372289759.